The following is an entry in ClinVar:

ClinVar aggregate classification (germline): Pathogenic. Review status: criteria provided, multiple submitters, no conflicts (2 of 4 stars). 8 submissions from 8 submitters: Pathogenic (7). 1 of the submissions does not count toward it. Last evaluated 2026-03-27.

Conditions:
Karyomegalic interstitial nephritis. Identifiers: Orphanet 401996, MedGen C3553774, MONDO:0013898, OMIM 614817.
FAN1-related disorder. Also called: FAN1-related condition.

Allele frequency attached by ClinVar (database versions not stated): TOPMed 0.00002; gnomAD 0.00003 and 0.00007; gnomAD exomes 0.00006 and 0.00009; ExAC 0.00012.

Submissions (8):

GeneDx
Classification: Pathogenic. Last evaluated: 2026-03-27. Review status: criteria provided, single submitter. Criteria: GeneDx Variant Classification Process June 2021. Collection method: clinical testing. Allele origin: germline.
Comment: Frameshift variant predicted to result in protein truncation or nonsense mediated decay in a gene for which loss of function is a known mechanism of disease; This variant is associated with the following publications: (PMID: 27196444, 34126972, 36938085, 32220227, 32939031, 7847351, 41088366, 20621605, 41565023, 30639725, 22772369, 38972501)

Labcorp Genetics (formerly Invitae), Labcorp
Classification: Pathogenic. Last evaluated: 2025-11-04. Review status: criteria provided, single submitter. Criteria: Invitae Variant Classification Sherloc (09022015). Collection method: clinical testing. Allele origin: germline.
Comment: This sequence change creates a premature translational stop signal (p.Asp873Thrfs*17) in the FAN1 gene. It is expected to result in an absent or disrupted protein product. Loss-of-function variants in FAN1 are known to be pathogenic (PMID: 22772369). This variant is present in population databases (rs750056424, gnomAD 0.05%). This premature translational stop signal has been observed in individual(s) with interstitial nephritis (PMID: 22772369, 27196444, 32220227). ClinVar contains an entry for this variant (Variation ID: 437429). For these reasons, this variant has been classified as Pathogenic.

PreventionGenetics, part of Exact Sciences
Classification: Pathogenic for FAN1-related condition. Last evaluated: 2025-05-15. Review status: criteria provided, single submitter. Criteria: ACMG Guidelines, 2015. Collection method: clinical testing. Allele origin: germline.
Comment: The FAN1 c.2616delA variant is predicted to result in a frameshift and premature protein termination (p.Thr872Thrfs*18). This variant has been reported to be pathogenic for karyomegalic tubulointerstitial nephritis (Zhou et al. 2012. PubMed ID: 22772369). This variant is reported in 0.043% of alleles in individuals of South Asian descent in gnomAD and has been interpreted as pathogenic in the ClinVar database. Frameshift variants in FAN1 are expected to be pathogenic. This variant is interpreted as pathogenic.

CeGaT Center for Human Genetics Tuebingen
Classification: Pathogenic. Last evaluated: 2023-04-01. Review status: criteria provided, single submitter. Criteria: CeGaT Center For Human Genetics Tuebingen Variant Classification Criteria Version 2. Collection method: clinical testing. Allele origin: germline. Affected: yes. Observed: 1 variant allele.
Comment: FAN1: PVS1, PM2, PM3, PP1:Moderate

Fulgent Genetics
Classification: Pathogenic for Karyomegalic interstitial nephritis. Last evaluated: 2022-05-17. Review status: criteria provided, single submitter. Criteria: ACMG Guidelines, 2015. Collection method: clinical testing. Allele origin: unknown.

Victorian Clinical Genetics Services, Murdoch Childrens Research Institute
Classification: Pathogenic for Karyomegalic interstitial nephritis. Last evaluated: 2018-10-09. Review status: criteria provided, single submitter. Criteria: ACMG Guidelines, 2015. Collection method: clinical testing. Allele origin: unknown. Affected: yes.
Comment: A homozygous frameshift deletion variant, NM_014967.4(FAN1):c.2616delA, has been identified in exon 12 of 15 of the FAN1 gene. This deletion is predicted to create a frameshift starting at amino acid position 873, introducing a stop codon 17 residues downstream (NP_055782.3(FAN1):p.(Asp873Thrfs*17)). This variant is predicted to result in loss of protein function through nonsense mediated decay, which is a reported mechanism of pathogenicity for this gene. The variant is present in the gnomAD database at a frequency of 0.01% (25 heterozygotes, 0 homozygotes). The variant has been previously described as pathogenic in two patients with chronic kidney disease (ClinVar, Zhou, W. et al (2012)). Other upstream LoF variants have also been reported as pathogenic (ClinVar). Based on the information available at the time of curation, this variant has been classified as PATHOGENIC.

Center of Genomic medicine, Geneva, University Hospital of Geneva
Classification: Pathogenic for Karyomegalic interstitial nephritis. Last evaluated: 2016-09-21. Review status: criteria provided, single submitter. Criteria: ACMG Guidelines, 2015. Collection method: clinical testing. Allele origin: germline. Affected: yes.

OMIM
Classification: Pathogenic for INTERSTITIAL NEPHRITIS, KARYOMEGALIC. Last evaluated: 2012-07-08. Review status: no assertion criteria provided. Collection method: literature only. Allele origin: germline. Not counted in ClinVar's aggregate classification.

Literature cited by the submitters: PubMed 22772369 (cited by Labcorp Genetics (formerly Invitae), Labcorp and OMIM); PubMed 27196444 (cited by Labcorp Genetics (formerly Invitae), Labcorp); PubMed 32220227 (cited by Labcorp Genetics (formerly Invitae), Labcorp); PubMed 7847351 (cited by OMIM); PubMed 20621605 (cited by OMIM).

NM_014967.5(FAN1):c.2616del (p.Asp873fs)

Genes: FAN1 (FANCD2 and FANCI associated nuclease 1; plus strand), MTMR10 (myotubularin related protein 10; minus strand). Cytogenetic location: 15q13.3.
Variant type: Deletion.
Coding change: c.2616del on transcript NM_014967.5 (MANE Select); coding-DNA position 2616, one base deleted (A; older notation c.2616delA).
Protein change: p.Asp873fs; shifts the reading frame from aspartic acid 873.
Molecular consequence: frameshift variant.
Genome position (GRCh38, 1-based): chr15:30,929,226, A deleted. VCF-style (leftmost placement, unchanged base first): chr15-30929225-CA-C. GRCh37 (hg19) VCF-style: chr15-31221428-CA-C.
Other names: c.2616del (NM_014967.4); short protein forms D873fs.
Identifiers: ClinVar variation 437429 (VCV000437429.39), dbSNP rs750056424, ClinGen allele CA7450720.